The following is an entry in ClinVar:

NM_000108.5(DLD):c.549G>A (p.Thr183=)

Gene: DLD (dihydrolipoamide dehydrogenase; plus strand). Cytogenetic location: 7q31.1.
Variant type: single nucleotide variant.
Coding change: c.549G>A on transcript NM_000108.5 (MANE Select); coding-DNA position 549, G replaced by A.
Protein change: p.Thr183=; no amino-acid change (threonine 183 retained).
Molecular consequence: synonymous variant. On other transcripts: intron variant (1).
Genome position (GRCh38, 1-based): chr7:107,905,471, G>A. VCF-style: chr7-107905471-G-A. GRCh37 (hg19) VCF-style: chr7-107545916-G-A.
Other names: c.252G>A, p.Thr84= (NM_001289750.1); c.480G>A, p.Thr160= (NM_001289751.1); c.438+413G>A (NM_001289752.1); c.549G>A (NM_000108.3).
Identifiers: ClinVar variation 736174 (VCV000736174.29), dbSNP rs150630885, ClinGen allele CA4434498.
Genomic context (GRCh38, chr7:107,905,471, plus strand): 5'-TGCTACGAAAGCTGATGGCGGCACTCAGGTTATTGATACAAAGAACATTCTTATAGCCAC[G>A]GGTTCAGAAGTTACTCCTTTTCCTGGAATCACGGTATTTATGCTTCATAATTTACAACCA-3'
Protein context (NP_000099.2, residues 173-193): VIDTKNILIA[Thr183=]GSEVTPFPGI

ClinVar aggregate classification (germline): Benign/Likely benign. Review status: criteria provided, multiple submitters, no conflicts (2 of 4 stars). 6 submissions from 6 submitters: Benign (1); Likely benign (4). 1 of the submissions does not count toward it. Last evaluated 2026-01-28.

Conditions:
Pyruvate dehydrogenase E3 deficiency (DLDD). Also called: MAPLE SYRUP URINE DISEASE, TYPE III; Dihydrolipoamide Dehydrogenase Deficiency; Dihydrolipoamide Dehydrogenase (E3) Deficiency; DLD DEFICIENCY; E3 DEFICIENCY; Dihydrolipoamide Dehydrogenase E3 Deficiency. Identifiers: Orphanet 2394, Orphanet 765, MedGen C5574660, MONDO:0009529, OMIM 246900.

Allele frequency attached by ClinVar (database versions not stated): gnomAD 0.00011 and 0.00012; ESP Exome Variant Server 0.00015; TOPMed 0.00015; gnomAD exomes 0.00016; ExAC 0.00021.
gnomAD v4.1: 194 of 1,613,630 alleles (0.012%); highest among the groups gnomAD compares: Middle Eastern, 0.033%; no homozygotes.

Submissions (6):

Labcorp Genetics (formerly Invitae), Labcorp
Classification: Likely benign for Pyruvate dehydrogenase E3 deficiency. Last evaluated: 2026-01-28. Review status: criteria provided, single submitter. Criteria: Invitae Variant Classification Sherloc (09022015). Collection method: clinical testing. Allele origin: germline.

CeGaT Center for Human Genetics Tuebingen
Classification: Likely benign. Last evaluated: 2024-12-01. Review status: criteria provided, single submitter. Criteria: CeGaT Center For Human Genetics Tuebingen Variant Classification Criteria Version 2. Collection method: clinical testing. Allele origin: germline. Affected: yes. Observed: 1 variant allele.
Comment: DLD: BP4, BP7

Blueprint Genetics
Classification: Likely benign. Last evaluated: 2024-10-29. Review status: criteria provided, single submitter. Criteria: ACMG Guidelines, 2015. Collection method: clinical testing. Allele origin: germline.

GeneDx
Classification: Benign. Last evaluated: 2015-03-03. Review status: criteria provided, single submitter. Criteria: GeneDx Variant Classification Process June 2021. Collection method: clinical testing. Allele origin: germline. Affected: yes.

Breakthrough Genomics
Classification: Likely benign. Review status: criteria provided, single submitter. Criteria: ACMG Guidelines, 2015. Collection method: not provided. Allele origin: germline. Inheritance: Autosomal recessive inheritance. Affected: yes.

Natera, Inc.
Classification: Uncertain significance for Maple syrup urine disease type 3. Last evaluated: 2020-01-24. Review status: no assertion criteria provided. Collection method: clinical testing. Allele origin: germline. Not counted in ClinVar's aggregate classification.